The following is an entry in ClinVar:

NM_201384.3(PLEC):c.1548G>A (p.Glu516=)

Gene: PLEC (plectin; minus strand). Cytogenetic location: 8q24.3.
Variant type: single nucleotide variant.
Coding change: c.1548G>A on transcript NM_201384.3 (MANE Select); coding-DNA position 1548, G replaced by A.
Protein change: p.Glu516=; no amino-acid change (glutamic acid 516 retained).
Molecular consequence: synonymous variant.
Genome position (GRCh38, 1-based): chr8:143,932,982, C>T on the plus strand (G>A on the coding strand, the complement: PLEC is on the minus strand). VCF-style: chr8-143932982-C-T. GRCh37 (hg19) VCF-style: chr8-145007150-C-T.
Other names: c.1629G>A, p.Glu543= (NM_000445.5); c.1506G>A, p.Glu502= (NM_201378.4); c.1482G>A, p.Glu494= (NM_201379.3); c.1959G>A, p.Glu653= (NM_201380.4); c.1452G>A, p.Glu484= (NM_201381.3); c.1548G>A, p.Glu516= (NM_201382.4); c.1560G>A, p.Glu520= (NM_201383.3); c.1629G>A (NM_000445.4).
Identifiers: ClinVar variation 1013031 (VCV001013031.40), dbSNP rs782107195, ClinGen allele CA4927927.
Genomic context (GRCh38, chr8:143,932,982, plus strand): 5'-CTGGTTCTCCTCCACCCAGGCCAGCAGGTCCTGCAGGTAGCGCAGAGTGGAGTCCTCCAG[C>T]TCGGGGCGCCTCTGCACACTCTGCAGAGTCACCTGGGCCACCTGGGTTGCAGGGGCCGCC-3'
Protein context (NP_958786.1, residues 506-526): VTLQSVQRRP[Glu516=]LEDSTLRYLQ

ClinVar aggregate classification (germline): Likely benign. Review status: criteria provided, multiple submitters, no conflicts (2 of 4 stars). 3 submissions from 3 submitters: Likely benign (2). 1 of the submissions does not count toward it. Last evaluated 2025-10-31.

Conditions:
PLEC-related disorder. Also called: PLEC-related disorders; PLEC-related condition.
Epidermolysis bullosa simplex 5B, with muscular dystrophy (EBS5B). Also called: EPIDERMOLYSIS BULLOSA SIMPLEX AND LIMB-GIRDLE MUSCULAR DYSTROPHY; Epidermolysis bullosa simplex with muscular dystrophy. Identifiers: Orphanet 257, MedGen C2931072, MONDO:0009181, OMIM 226670.
Epidermolysis bullosa simplex, Ogna type (EBS5A). Also called: EPIDERMOLYSIS BULLOSA SIMPLEX 5A, OGNA TYPE; Pidermolysis bullosa simplex 5A, Ogna type. Identifiers: Orphanet 79401, MedGen C0432317, MONDO:0007555, OMIM 131950.
Autosomal recessive limb-girdle muscular dystrophy type 2Q (LGMDR17). Also called: MUSCULAR DYSTROPHY, LIMB-GIRDLE, AUTOSOMAL RECESSIVE 17. Identifiers: Orphanet 254361, MedGen C3150989, MONDO:0013390, OMIM 613723.
Epidermolysis bullosa simplex 5C, with pyloric atresia (EBS5C). Also called: PLEC-Related Epidermolysis Bullosa with Pyloric Atresia; Epidermolysis bullosa simplex with pyloric atresia; PLEC1-Related Epidermolysis Bullosa with Pyloric Atresia. Identifiers: Orphanet 158684, MedGen C2677349, MONDO:0012807, OMIM 612138.
Epidermolysis bullosa simplex with nail dystrophy (EBS5D). Identifiers: MedGen C4225309, MONDO:0014661, OMIM 616487.

Allele frequency attached by ClinVar (database versions not stated): gnomAD exomes below 0.00001 and 0.00001; ExAC 0.00001; TOPMed 0.00002; gnomAD 0.00003.
gnomAD v4.1: 26 of 1,611,114 alleles (0.0016%); highest among the groups gnomAD compares: Middle Eastern, 0.033%; no homozygotes.

Submissions (3):

Labcorp Genetics (formerly Invitae), Labcorp
Classification: Likely benign for Autosomal recessive limb-girdle muscular dystrophy type 2Q; Epidermolysis bullosa simplex, Ogna type; Epidermolysis bullosa simplex with nail dystrophy; Epidermolysis bullosa simplex 5C, with pyloric atresia; Epidermolysis bullosa simplex 5B, with muscular dystrophy. Last evaluated: 2025-10-31. Review status: criteria provided, single submitter. Criteria: Invitae Variant Classification Sherloc (09022015). Collection method: clinical testing. Allele origin: germline.

CeGaT Center for Human Genetics Tuebingen
Classification: Likely benign. Last evaluated: 2022-07-01. Review status: criteria provided, single submitter. Criteria: CeGaT Center For Human Genetics Tuebingen Variant Classification Criteria Version 2. Collection method: clinical testing. Allele origin: germline. Affected: yes. Observed: 2 variant alleles.
Comment: PLEC: BP4, BP7

PreventionGenetics, part of Exact Sciences
Classification: Likely benign for PLEC-related condition. Last evaluated: 2019-07-04. Review status: no assertion criteria provided. Collection method: clinical testing. Allele origin: germline. Not counted in ClinVar's aggregate classification.
Comment: This variant is classified as likely benign based on ACMG/AMP sequence variant interpretation guidelines (Richards et al. 2015 PMID: 25741868, with internal and published modifications).